The following is an entry in ClinVar:

NM_000059.4(BRCA2):c.3502dup (p.Met1168fs)

Gene: BRCA2 (BRCA2 DNA repair associated; plus strand). Cytogenetic location: 13q13.1.
Variant type: Duplication.
Coding change: c.3502dup on transcript NM_000059.4 (MANE Select); coding-DNA position 3502, one base duplicated (A; older notation c.3502dupA).
Protein change: p.Met1168fs; shifts the reading frame from methionine 1168.
Molecular consequence: frameshift variant.
Genome position (GRCh38, 1-based): chr13:32,337,857, A duplicated; the last of 2 consecutive A bases (chr13:32,337,856-32,337,857); duplicating either gives the same sequence. VCF-style (leftmost placement, unchanged base first): chr13-32337855-T-TA. GRCh37 (hg19) VCF-style: chr13-32911992-T-TA.
Other names: 3730insA; c.3502dupA (NM_000059.3); short protein forms M1168fs.
Identifiers: ClinVar variation 266755 (VCV000266755.12), dbSNP rs886040479, ClinGen allele CA10589207.
Genomic context (GRCh38, chr13:32,337,855, plus strand): 5'-ACCAGATGACTATCTTAAAGACCACTTCTGAGGAATGCAGAGATGCTGATCTTCATGTCA[T>TA]AATGAATGCCCCATCGATTGGTCAGGTAGACAGCAGCAAGCAATTTGAAGGTACAGTTGA-3'

ClinVar aggregate classification (germline): Pathogenic. Review status: reviewed by expert panel (3 of 4 stars). 5 submissions from 5 submitters: Pathogenic (1). 4 of the submissions do not count toward it. Last evaluated 2016-10-18.

Conditions:
Hereditary breast ovarian cancer syndrome. Also called: Hereditary breast and ovarian cancer; Hereditary breast and ovarian cancer syndrome (HBOC); Hereditary breast and/or ovarian cancer syndrome; Breast and ovarian cancer; Hereditary breast and ovarian cancer syndrome; BRCA1- and BRCA2-Associated Hereditary Breast and Ovarian Cancer. Identifiers: Orphanet 145, MedGen C0677776, MeSH D061325, MONDO:0003582. Disease mechanism: loss of function.
Hereditary cancer-predisposing syndrome. Also called: Tumor predisposition; Neoplastic Syndromes, Hereditary; Hereditary neoplastic syndrome; Hereditary Cancer Syndrome. Identifiers: Orphanet 140162, MedGen C0027672, MeSH D009386, MONDO:0015356.
Breast-ovarian cancer, familial, susceptibility to, 2 (BROVCA2). Also called: BRCA2 Hereditary Breast and Ovarian Cancer. Identifiers: Orphanet 145, MedGen C2675520, MONDO:0012933, OMIM 612555. Disease mechanism: loss of function.

Submissions (5):

Evidence-based Network for the Interpretation of Germline Mutant Alleles (ENIGMA)
Classification: Pathogenic for Breast-ovarian cancer, familial, susceptibility to, 2. Last evaluated: 2016-10-18. Review status: reviewed by expert panel. Criteria: ENIGMA BRCA1/2 Classification Criteria (2015). Collection method: curation. Allele origin: germline.
Comment: Variant allele predicted to encode a truncated non-functional protein.

Ambry Genetics
Classification: Pathogenic for Hereditary cancer-predisposing syndrome. Last evaluated: 2024-08-21. Review status: criteria provided, single submitter. Criteria: Ambry Variant Classification Scheme 2023. Collection method: clinical testing. Allele origin: germline. Not counted in ClinVar's aggregate classification.
Comment: The c.3502dupA pathogenic mutation, located in coding exon 10 of the BRCA2 gene, results from a duplication of A at nucleotide position 3502, causing a translational frameshift with a predicted alternate stop codon (p.M1168Nfs*16). This variant was identified in a cohort of 4439 women with ovarian cancer undergoing multigene panel testing at one laboratory (Carter NJ et al. Gynecol Oncol, 2018 Dec;151:481-488). This variant is considered to be rare based on population cohorts in the Genome Aggregation Database (gnomAD). This alteration is expected to result in loss of function by premature protein truncation or nonsense-mediated mRNA decay. As such, this alteration is interpreted as a disease-causing mutation.

Labcorp Genetics (formerly Invitae), Labcorp
Classification: Pathogenic for Hereditary breast ovarian cancer syndrome. Last evaluated: 2024-04-01. Review status: criteria provided, single submitter. Criteria: Invitae Variant Classification Sherloc (09022015). Collection method: clinical testing. Allele origin: germline. Not counted in ClinVar's aggregate classification.
Comment: This sequence change creates a premature translational stop signal (p.Met1168Asnfs*16) in the BRCA2 gene. It is expected to result in an absent or disrupted protein product. Loss-of-function variants in BRCA2 are known to be pathogenic (PMID: 20104584). This variant is not present in population databases (gnomAD no frequency). This premature translational stop signal has been observed in individual(s) with ovarian cancer (PMID: 30322717). ClinVar contains an entry for this variant (Variation ID: 266755). For these reasons, this variant has been classified as Pathogenic.

GeneDx
Classification: Pathogenic. Last evaluated: 2017-08-28. Review status: criteria provided, single submitter. Criteria: GeneDx Variant Classification (06012015). Collection method: clinical testing. Allele origin: germline. Affected: yes. Not counted in ClinVar's aggregate classification.
Comment: This duplication of one nucleotide in BRCA2 is denoted c.3502dupA at the cDNA level and p.Met1168AsnfsX16 (M1168NfsX16) at the protein level. Using alternate nomenclature, this variant would be defined as BRCA2 3730dupA. The normal sequence, with the base that is duplicated in brackets, is CATA[dupA]TGAA. The duplication causes a frameshift, which changes a Methionine to an Asparagine at codon 1168 and creates a premature stop codon at position 16 of the new reading frame. Although this variant has not, to our knowledge, been reported in the literature, it is predicted to cause loss of normal protein function through either protein truncation or nonsense-mediated mRNA decay. We consider this variant to be pathogenic.

Consortium of Investigators of Modifiers of BRCA1/2 (CIMBA), c/o University of Cambridge
Classification: Pathogenic for Breast-ovarian cancer, familial, susceptibility to, 2. Last evaluated: 2015-10-02. Review status: criteria provided, single submitter. Criteria: CIMBA Mutation Classification guidelines May 2016. Collection method: clinical testing. Allele origin: germline. Not counted in ClinVar's aggregate classification.

Literature cited by the submitters: PubMed 30322717 (cited by Ambry Genetics and Labcorp Genetics (formerly Invitae), Labcorp); PubMed 20104584 (cited by Labcorp Genetics (formerly Invitae), Labcorp).